The following is an entry in ClinVar:

ClinVar aggregate classification (germline): Uncertain significance. Review status: criteria provided, multiple submitters, no conflicts (2 of 4 stars). 4 submissions from 4 submitters: Uncertain significance (4). Last evaluated 2025-02-23.

Allele frequency attached by ClinVar (database versions not stated): gnomAD exomes 0.00004 and 0.00013; ExAC 0.00016; TOPMed 0.00056; gnomAD 0.00059 and 0.00060; 1000 Genomes Project 0.00080; ESP Exome Variant Server 0.00092; 1000 Genomes Project 30x 0.00094.
gnomAD v4.1: 151 of 1,614,092 alleles (0.0094%); highest among the groups gnomAD compares: African/African-American, 0.19%; no homozygotes.

Submissions (4):

Labcorp Genetics (formerly Invitae), Labcorp
Classification: Uncertain significance. Last evaluated: 2025-02-23. Review status: criteria provided, single submitter. Criteria: Invitae Variant Classification Sherloc (09022015). Collection method: clinical testing. Allele origin: germline.
Comment: This sequence change replaces serine, which is neutral and polar, with asparagine, which is neutral and polar, at codon 47 of the UCP2 protein (p.Ser47Asn). This variant is present in population databases (rs144018051, gnomAD 0.2%), and has an allele count higher than expected for a pathogenic variant. This missense change has been observed in individual(s) with congenital hyperinsulinism (PMID: 27967291). ClinVar contains an entry for this variant (Variation ID: 1336059). An algorithm developed to predict the effect of missense changes on protein structure and function outputs the following: PolyPhen-2: "Benign". The asparagine amino acid residue is found in multiple mammalian species, which suggests that this missense change does not adversely affect protein function. In summary, the available evidence is currently insufficient to determine the role of this variant in disease. Therefore, it has been classified as a Variant of Uncertain Significance.

Women's Health and Genetics/Laboratory Corporation of America, LabCorp
Classification: Uncertain significance. Last evaluated: 2023-12-21. Review status: criteria provided, single submitter. Criteria: LabCorp Variant Classification Summary - May 2015. Collection method: clinical testing. Allele origin: germline.
Comment: Variant summary: UCP2 c.140G>A (p.Ser47Asn) results in a conservative amino acid change in the encoded protein sequence. Five of five in-silico tools predict a benign effect of the variant on protein function. The variant allele was found at a frequency of 0.00013 in 251052 control chromosomes (gnomAD). c.140G>A has been reported in the literature in one individual affected with Congenital hyperinsulinism (Ferrara_2017). These data do not allow any conclusion about variant significance. To our knowledge, no experimental evidence demonstrating an impact on protein function has been reported. The following publications have been ascertained in the context of this evaluation (PMID: 27753189, 27967291, 28681398). One submitter has cited clinical-significance assessments for this variant to ClinVar after 2014 and has classified the variant as uncertain significance. Based on the evidence outlined above, the variant was classified as uncertain significance.

Genetic Services Laboratory, University of Chicago
Classification: Uncertain significance. Last evaluated: 2021-11-18. Review status: criteria provided, single submitter. Criteria: ACMG Guidelines, 2015. Collection method: clinical testing. Allele origin: germline. Affected: no.
Comment: This sequence change has been reported to be maternally inherited in an individual with diazoxide-responsive congenital hyperinsulinism (PMID: 27967291). Experimental studies were indicative of moderately reduced activity of UCP2 in vitro (PMID: 27967291). This sequence change has been described in the gnomAD database with a frequency of 0.18% in the African subpopulation (dbSNP rs144018051). The p.Ser47Asn change affects a moderately conserved amino acid residue located in a domain of the UCP2 protein that is not known to be functional. The p.Ser47Asn substitution appears to be benign using several in-silico pathogenicity prediction tools (SIFT, PolyPhen2, Align GVGD, REVEL). Due to insufficient evidence and the lack of functional studies, the clinical significance of the p.Ser47Asn change remains unknown at this time.

Breakthrough Genomics
Classification: Uncertain significance. Review status: criteria provided, single submitter. Criteria: ACMG Guidelines, 2015. Collection method: not provided. Allele origin: germline. Inheritance: Unknown mechanism. Affected: yes.

Literature cited by the submitters: PubMed 27967291 (cited by Labcorp Genetics (formerly Invitae), Labcorp and Women's Health and Genetics/Laboratory Corporation of America, LabCorp); PubMed 27753189 (cited by Women's Health and Genetics/Laboratory Corporation of America, LabCorp); PubMed 28681398 (cited by Women's Health and Genetics/Laboratory Corporation of America, LabCorp).

NM_003355.3(UCP2):c.140G>A (p.Ser47Asn)

Gene: UCP2 (uncoupling protein 2; minus strand). Cytogenetic location: 11q13.4.
Variant type: single nucleotide variant.
Coding change: c.140G>A on transcript NM_003355.3 (MANE Select); coding-DNA position 140, G replaced by A.
Protein change: p.Ser47Asn; replaces serine 47 with asparagine.
Molecular consequence: missense variant.
Genome position (GRCh38, 1-based): chr11:73,978,083, C>T on the plus strand (G>A on the coding strand, the complement: UCP2 is on the minus strand). VCF-style: chr11-73978083-C-T. GRCh37 (hg19) VCF-style: chr11-73689128-C-T.
Other names: c.140G>A, p.Ser47Asn (NM_001381943.1, NM_001381944.1, NM_001381945.1 and 4 more transcripts); short protein forms S47N.
Identifiers: ClinVar variation 1336059 (VCV001336059.7), dbSNP rs144018051, ClinGen allele CA6181232.